The following is an entry in ClinVar:

ClinVar aggregate classification (germline): Pathogenic (1 of 4 stars; one submission).

Allele frequency attached by ClinVar (database versions not stated): gnomAD exomes below 0.00001.
gnomAD v4.1: 1 of 1,614,048 alleles (0.000062%); highest among the groups gnomAD compares: Non-Finnish European, 0.000085%; no homozygotes.

Submission:

GeneDx
Classification: Pathogenic. Last evaluated: 2019-02-28. Review status: criteria provided, single submitter. Criteria: GeneDx Variant Classification Process June 2021. Collection method: clinical testing. Allele origin: germline. Affected: yes.
Comment: Canonical splice site variant in a gene for which loss-of-function is a known mechanism of disease; Not observed in large population cohorts (Lek et al., 2016); Has not been previously published as pathogenic or benign to our knowledge

NM_020975.6(RET):c.2137-1G>A

Gene: RET (ret proto-oncogene; plus strand). Cytogenetic location: 10q11.21.
Variant type: single nucleotide variant.
Coding change: c.2137-1G>A on transcript NM_020975.6 (MANE Select); the canonical splice acceptor site of the intron before coding-DNA position 2137, G replaced by A.
Molecular consequence: splice acceptor variant.
Genome position (GRCh38, 1-based): chr10:43,116,583, G>A. VCF-style: chr10-43116583-G-A. GRCh37 (hg19) VCF-style: chr10-43612031-G-A.
Other names: c.2137-1G>A (NM_020630.7, NM_001406743.1, NM_001406744.1 and 2 more transcripts); c.2002-1G>A (NM_001406765.1, NM_001406763.1); c.1741-1G>A (NM_001406772.1, NM_001406769.1); c.1699-1G>A (NM_001406773.1, NM_001406771.1); c.1240-1G>A (NM_001406782.1, NM_001406780.1, NM_001406779.1 and 1 more transcripts); c.1105-1G>A (NM_001406787.1); c.1120-1G>A (NM_001406785.1); c.2008-1G>A (NM_001406764.1, NM_001406762.1, NM_001406761.1); and 10 more.
Identifiers: ClinVar variation 1197458 (VCV001197458.4), dbSNP rs2132902301, ClinGen allele CA376554099.